The following is an entry in ClinVar:

ClinVar aggregate classification (germline): Likely benign (0 of 4 stars; one submission).

Conditions:
CERS3-related disorder. Also called: CERS3-related condition.

Submission:

PreventionGenetics, part of Exact Sciences
Classification: Likely benign for CERS3-related condition. Last evaluated: 2020-09-09. Review status: no assertion criteria provided. Collection method: clinical testing. Allele origin: germline.
Comment: This variant is classified as likely benign based on ACMG/AMP sequence variant interpretation guidelines (Richards et al. 2015 PMID: 25741868, with internal and published modifications).

NM_001378789.1(CERS3):c.173+9T>C

Gene: CERS3 (ceramide synthase 3; minus strand). Cytogenetic location: 15q26.3.
Variant type: single nucleotide variant.
Coding change: c.173+9T>C on transcript NM_001378789.1 (MANE Select); 9 bases into the intron after coding-DNA position 173, T replaced by C.
Molecular consequence: intron variant.
Genome position (GRCh38, 1-based): chr15:100,501,668, A>G on the plus strand (T>C on the coding strand, the complement: CERS3 is on the minus strand). VCF-style: chr15-100501668-A-G. GRCh37 (hg19) VCF-style: chr15-101041873-A-G.
Other names: c.173+9T>C (NM_178842.5, NM_001290343.2, NM_001290342.2); c.206+9T>C (NM_001290341.2).
Identifiers: ClinVar variation 3032017 (VCV003032017.2), dbSNP rs2549144746, ClinGen allele CA2740096793.